The following is an entry in ClinVar:

NM_006941.4(SOX10):c.220G>T (p.Glu74Ter)

Genes: POLR2F (RNA polymerase II, I and III subunit F; plus strand), SOX10 (SRY-box transcription factor 10; minus strand). Cytogenetic location: 22q13.1.
Variant type: single nucleotide variant.
Coding change: c.220G>T on transcript NM_006941.4 (MANE Select); coding-DNA position 220, G replaced by T.
Protein change: p.Glu74Ter; replaces glutamic acid 74 with a stop codon.
Molecular consequence: nonsense. On other transcripts: intron variant (3).
Genome position (GRCh38, 1-based): chr22:37,983,565, C>A on the plus strand (G>T on the coding strand, the complement: SOX10 is on the minus strand). VCF-style: chr22-37983565-C-A. GRCh37 (hg19) VCF-style: chr22-38379572-C-A.
Other names: c.*38+11255C>A (NM_001363825.1); c.294-2589C>A (NM_001301130.2); c.293+16395C>A (NM_001301131.2); short protein forms E74*.
Identifiers: ClinVar variation 3601814 (VCV003601814.1).

ClinVar aggregate classification (germline): Pathogenic. Review status: criteria provided, multiple submitters, no conflicts (2 of 4 stars). 2 submissions from 2 submitters: Pathogenic (2). Last evaluated 2025-01-09.

Conditions:
Waardenburg syndrome type 4C (WS4C). Also called: WAARDENBURG SYNDROME WITH HIRSCHSPRUNG DISEASE, TYPE 4C. Identifiers: Orphanet 897, MedGen C2750452, MONDO:0013202, OMIM 613266.

Submissions (2):

Institute of Rare Diseases, West China Hospital, Sichuan University
Classification: Pathogenic for Waardenburg syndrome type 4C. Last evaluated: 2025-01-09. Review status: criteria provided, single submitter. Criteria: ClinGen HL ACMG Specifications v1. Collection method: research. Allele origin: germline. Affected: yes.
Comment: PM1;PVS1;PS2;PM2_Supporting

GeneDx
Classification: Pathogenic. Last evaluated: 2024-12-05. Review status: criteria provided, single submitter. Criteria: GeneDx Variant Classification Process June 2021. Collection method: clinical testing. Allele origin: germline. Affected: yes.
Comment: Nonsense variant predicted to result in protein truncation or nonsense mediated decay in a gene for which loss of function is a known mechanism of disease; Not observed at significant frequency in large population cohorts (gnomAD); Has not been previously published as pathogenic or benign to our knowledge